The following is an entry in ClinVar:

ClinVar aggregate classification (germline): Likely pathogenic (1 of 4 stars; one submission).

Allele frequency attached by ClinVar (database versions not stated): gnomAD exomes below 0.00001; gnomAD 0.00001.
gnomAD v4.1: 3 of 1,612,410 alleles (0.00019%); highest among the groups gnomAD compares: Admixed American, 0.0017%; no homozygotes.

Submission:

Labcorp Genetics (formerly Invitae), Labcorp
Classification: Likely pathogenic. Last evaluated: 2025-10-21. Review status: criteria provided, single submitter. Criteria: Invitae Variant Classification Sherloc (09022015). Collection method: clinical testing. Allele origin: germline.
Comment: This sequence change affects a donor splice site in intron 5 of the C2 gene. It is expected to disrupt RNA splicing. Variants that disrupt the donor or acceptor splice site typically lead to a loss of protein function (PMID: 16199547), and loss-of-function variants in C2 are known to be pathogenic (PMID: 1577763, 9616367). This variant is not present in population databases (gnomAD no frequency). This variant has not been reported in the literature in individuals affected with C2-related conditions. ClinVar contains an entry for this variant (Variation ID: 1910255). Algorithms developed to predict the effect of sequence changes on RNA splicing suggest that this variant may disrupt the consensus splice site. In summary, the currently available evidence indicates that the variant is pathogenic, but additional data are needed to prove that conclusively. Therefore, this variant has been classified as Likely Pathogenic.

Literature cited by the submitters: PubMed 16199547; PubMed 1577763; PubMed 9616367.

NM_000063.6(C2):c.715+1G>T

Gene: C2 (complement C2; plus strand). Cytogenetic location: 6p21.33.
Variant type: single nucleotide variant.
Coding change: c.715+1G>T on transcript NM_000063.6 (MANE Select); the canonical splice donor site of the intron after coding-DNA position 715, G replaced by T.
Molecular consequence: splice donor variant. On other transcripts: intron variant (1).
Genome position (GRCh38, 1-based): chr6:31,933,966, G>T. VCF-style: chr6-31933966-G-T. GRCh37 (hg19) VCF-style: chr6-31901743-G-T.
Other names: c.111+183G>T (NM_001282457.2); c.346+1G>T (NM_001178063.3); c.628+1G>T (NM_001282458.2); c.319+1G>T (NM_001145903.3); c.715+1G>T (NM_001282459.2).
Identifiers: ClinVar variation 1910255 (VCV001910255.5), dbSNP rs1228754923, ClinGen allele CA363366849.